The following is an entry in ClinVar:

NM_014795.4(ZEB2):c.2613T>G (p.Asn871Lys)

Gene: ZEB2 (zinc finger E-box binding homeobox 2; minus strand). Cytogenetic location: 2q22.3.
Variant type: single nucleotide variant.
Coding change: c.2613T>G on transcript NM_014795.4 (MANE Select); coding-DNA position 2613, T replaced by G.
Protein change: p.Asn871Lys; replaces asparagine 871 with lysine.
Molecular consequence: missense variant.
Genome position (GRCh38, 1-based): chr2:144,398,574, A>C on the plus strand (T>G on the coding strand, the complement: ZEB2 is on the minus strand). VCF-style: chr2-144398574-A-C. GRCh37 (hg19) VCF-style: chr2-145156141-A-C.
Other names: c.2541T>G, p.Asn847Lys (NM_001171653.2); short protein forms N871K, N847K.
Identifiers: ClinVar variation 3636948 (VCV003636948.2).
Genomic context (GRCh38, chr2:144,398,574, plus strand): 5'-GGCACTAAATGGGTTCATGCTGAACACTGGGTTAGTGCTTTTGTTGTCCAGATTATTTGA[A>C]TTTGAAAATTCCTTCTTGATAAAAGTCAAGTTCAGAGGCTCATCTGAGTTTTCAGATGAG-3'
Protein context (NP_055610.1, residues 861-881): NLTFIKKEFS[Asn871Lys]SNNLDNKSTN

ClinVar aggregate classification (germline): Uncertain significance (1 of 4 stars; one submission).

Conditions:
Mowat-Wilson syndrome (MOWS). Also called: Classic Mowat-Wilson Syndrome. Identifiers: Orphanet 2152, MedGen C1856113, MONDO:0009341, OMIM 235730.

gnomAD v4.1: 3 of 1,614,084 alleles (0.00019%); highest among the groups gnomAD compares: African/African-American, 0.004%; no homozygotes.

Submission:

Labcorp Genetics (formerly Invitae), Labcorp
Classification: Uncertain significance for Mowat-Wilson syndrome. Last evaluated: 2024-02-15. Review status: criteria provided, single submitter. Criteria: Invitae Variant Classification Sherloc (09022015). Collection method: clinical testing. Allele origin: germline.
Comment: This sequence change replaces asparagine, which is neutral and polar, with lysine, which is basic and polar, at codon 871 of the ZEB2 protein (p.Asn871Lys). This variant is present in population databases (rs760849906, gnomAD 0.01%). This variant has not been reported in the literature in individuals affected with ZEB2-related conditions. Advanced modeling performed at Invitae incorporating data from internal and/or published experimental studies (Invitae) indicates that this missense variant is not expected to disrupt ZEB2 function with a negative predictive value of 95%. In summary, the available evidence is currently insufficient to determine the role of this variant in disease. Therefore, it has been classified as a Variant of Uncertain Significance.